The following is an entry in ClinVar:

NM_004304.5(ALK):c.343C>G (p.Pro115Ala)

Gene: ALK (ALK receptor tyrosine kinase; minus strand). Cytogenetic location: 2p23.1.
Variant type: single nucleotide variant.
Coding change: c.343C>G on transcript NM_004304.5 (MANE Select); coding-DNA position 343, C replaced by G.
Protein change: p.Pro115Ala; replaces proline 115 with alanine.
Molecular consequence: missense variant.
Genome position (GRCh38, 1-based): chr2:29,920,317, G>C on the plus strand (C>G on the coding strand, the complement: ALK is on the minus strand). VCF-style: chr2-29920317-G-C. GRCh37 (hg19) VCF-style: chr2-30143183-G-C.
Other names: short protein forms P115A.
Identifiers: ClinVar variation 4869533 (VCV004869533.1).

ClinVar aggregate classification (germline): Uncertain significance (1 of 4 stars; one submission).

Conditions:
Hereditary cancer-predisposing syndrome. Also called: Neoplastic Syndromes, Hereditary; Tumor predisposition; Hereditary Cancer Syndrome; Hereditary neoplastic syndrome. Identifiers: Orphanet 140162, MedGen C0027672, MeSH D009386, MONDO:0015356.

gnomAD v4.1: 1 of 1,555,982 alleles (0.000064%); highest among the groups gnomAD compares: Non-Finnish European, 0.000087%; no homozygotes.

Submission:

Ambry Genetics
Classification: Uncertain significance for Hereditary cancer-predisposing syndrome. Last evaluated: 2026-06-04. Review status: criteria provided, single submitter. Criteria: Ambry Variant Classification Scheme 2023. Collection method: clinical testing. Allele origin: germline.
Comment: The p.P115A variant (also known as c.343C>G), located in coding exon 1 of the ALK gene, results from a C to G substitution at nucleotide position 343. The proline at codon 115 is replaced by alanine, an amino acid with highly similar properties. This amino acid position is conserved. In addition, this alteration is predicted to be tolerated by in silico analysis. Based on the available evidence, the clinical significance of this variant remains unclear.